The following is an entry in ClinVar:

ClinVar aggregate classification (germline): Uncertain significance (1 of 4 stars; one submission).

Conditions:
Inborn genetic diseases. Identifiers: MedGen C0950123, MeSH D030342.

gnomAD v4.1: 2 of 1,611,918 alleles (0.00012%); highest among the groups gnomAD compares: African/African-American, 0.0013%; no homozygotes.

Submission:

Ambry Genetics
Classification: Uncertain significance for Inborn genetic diseases. Last evaluated: 2026-09-04. Review status: criteria provided, single submitter. Criteria: Ambry Variant Classification Scheme 2023. Collection method: clinical testing. Allele origin: germline.
Comment: The p.E981G variant (also known as c.2942A>G), located in coding exon 29 of the RTEL1 gene, results from an A to G substitution at nucleotide position 2942. The glutamic acid at codon 981 is replaced by glycine, an amino acid with similar properties. This amino acid position is conserved. In addition, this alteration is predicted to be tolerated by in silico analysis. Based on the available evidence, the clinical significance of this variant remains unclear.

NM_001283009.2(RTEL1):c.2942A>G (p.Glu981Gly)

Genes: RTEL1 (regulator of telomere elongation helicase 1; plus strand), RTEL1-TNFRSF6B (RTEL1-TNFRSF6B readthrough (NMD candidate); plus strand). Cytogenetic location: 20q13.33.
Variant type: single nucleotide variant.
Coding change: c.2942A>G on transcript NM_001283009.2 (MANE Select); coding-DNA position 2942, A replaced by G.
Protein change: p.Glu981Gly; replaces glutamic acid 981 with glycine.
Molecular consequence: missense variant. On other transcripts: non-coding transcript variant (1).
Genome position (GRCh38, 1-based): chr20:63,693,233, A>G. VCF-style: chr20-63693233-A-G. GRCh37 (hg19) VCF-style: chr20-62324586-A-G.
Other names: c.2273A>G, p.Glu758Gly (NM_001283010.1); c.2942A>G, p.Glu981Gly (NM_016434.4); c.3014A>G, p.Glu1005Gly (NM_032957.5); short protein forms E758G, E1005G, E981G.
Identifiers: ClinVar variation 5028534 (VCV005028534.1).